The following is an entry in ClinVar:

NM_002519.3(NPAT):c.4184C>G (p.Pro1395Arg)

Gene: NPAT (nuclear protein, coactivator of histone transcription; minus strand). Cytogenetic location: 11q22.3.
Variant type: single nucleotide variant.
Coding change: c.4184C>G on transcript NM_002519.3 (MANE Select); coding-DNA position 4184, C replaced by G.
Protein change: p.Pro1395Arg; replaces proline 1395 with arginine.
Molecular consequence: missense variant.
Genome position (GRCh38, 1-based): chr11:108,160,902, G>C on the plus strand (C>G on the coding strand, the complement: NPAT is on the minus strand). VCF-style: chr11-108160902-G-C. GRCh37 (hg19) VCF-style: chr11-108031629-G-C.
Other names: c.4205C>G, p.Pro1402Arg (NM_001321307.1); short protein forms P1402R, P1395R.
Identifiers: ClinVar variation 1738521 (VCV001738521.2), dbSNP rs1485295808, ClinGen allele CA382509192.

ClinVar aggregate classification (germline): Uncertain significance (1 of 4 stars; one submission).

gnomAD v4.1: 3 of 1,613,518 alleles (0.00019%); highest among the groups gnomAD compares: Non-Finnish European, 0.00025%; no homozygotes.

Submission:

Ambry Genetics
Classification: Uncertain significance. Last evaluated: 2021-06-23. Review status: criteria provided, single submitter. Criteria: Ambry Variant Classification Scheme 2023. Collection method: clinical testing. Allele origin: germline.
Comment: The p.P1395R variant (also known as c.4184C>G), located in coding exon 17 of the NPAT gene, results from a C to G substitution at nucleotide position 4184. The proline at codon 1395 is replaced by arginine, an amino acid with dissimilar properties. This amino acid position is conserved. In addition, this alteration is predicted to be tolerated by in silico analysis. Since supporting evidence is limited at this time, the clinical significance of this alteration remains unclear.